The following is an entry in ClinVar:

ClinVar aggregate classification (germline): Likely benign. Review status: criteria provided, multiple submitters, no conflicts (2 of 4 stars). 3 submissions from 3 submitters: Likely benign (3). Last evaluated 2025-11-03.

Conditions:
Autosomal dominant nonsyndromic hearing loss 2A. Also called: Autosomal dominant nonsyndromic deafness 2A; Deafness, autosomal dominant 2A; DFNA2 Nonsyndromic Hearing Loss. Identifiers: Orphanet 90635, MedGen C2677637, MONDO:0010817, OMIM 600101.

Allele frequency attached by ClinVar (database versions not stated): gnomAD exomes 0.00003 and 0.00008; ExAC 0.00015; ESP Exome Variant Server 0.00023; TOPMed 0.00038; gnomAD 0.00041 and 0.00044; 1000 Genomes Project 30x 0.00094; 1000 Genomes Project 0.00120.
gnomAD v4.1: 117 of 1,609,998 alleles (0.0073%); highest among the groups gnomAD compares: African/African-American, 0.14%; no homozygotes.

Submissions (3):

Labcorp Genetics (formerly Invitae), Labcorp
Classification: Likely benign. Last evaluated: 2025-11-03. Review status: criteria provided, single submitter. Criteria: Invitae Variant Classification Sherloc (09022015). Collection method: clinical testing. Allele origin: germline.

Genome-Nilou Lab
Classification: Likely benign for Autosomal dominant nonsyndromic hearing loss 2A. Last evaluated: 2023-04-11. Review status: criteria provided, single submitter. Criteria: ACMG Guidelines, 2015. Collection method: clinical testing. Allele origin: germline. Affected: no.

Laboratory for Molecular Medicine, Mass General Brigham Personalized Medicine
Classification: Likely benign. Last evaluated: 2015-07-20. Review status: criteria provided, single submitter. Criteria: LMM Criteria. Collection method: clinical testing. Allele origin: germline. Observed: 1 variant allele.
Comment: p.Gly471Gly in Exon 10 of KCNQ4: This variant is not expected to have clinical s ignificance because it does not alter an amino acid residue, is not located with in the splice consensus sequence, and has been identified in 0.18% (13/7302) of African chromosomes by the Exome Aggregation Consortium (ExAC; dbSNP rs144810195).

NM_004700.4(KCNQ4):c.1413T>C (p.Gly471=)

Gene: KCNQ4 (potassium voltage-gated channel subfamily Q member 4; plus strand). Cytogenetic location: 1p34.2.
Variant type: single nucleotide variant.
Coding change: c.1413T>C on transcript NM_004700.4 (MANE Select); coding-DNA position 1413, T replaced by C.
Protein change: p.Gly471=; no amino-acid change (glycine 471 retained).
Molecular consequence: synonymous variant.
Genome position (GRCh38, 1-based): chr1:40,831,204, T>C. VCF-style: chr1-40831204-T-C. GRCh37 (hg19) VCF-style: chr1-41296876-T-C.
Other names: c.1251T>C, p.Gly417= (NM_172163.3).
Identifiers: ClinVar variation 227466 (VCV000227466.9), dbSNP rs144810195, ClinGen allele CA794879.
Genomic context (GRCh38, chr1:40,831,204, plus strand): 5'-TTCCAAGCAGCATCTGGCACCTCCAACAATGCCCACCTCCCCAAGCAGCGAGCAGGTGGG[T>C]GAGGCCACCAGCCCCACCAAGGTGCAAAAGAGCTGGAGCTTCAATGACCGCACCCGCTTC-3'
Protein context (NP_004691.2, residues 461-481): MPTSPSSEQV[Gly471=]EATSPTKVQK